The following is an entry in ClinVar:

ClinVar aggregate classification (germline): Uncertain significance (1 of 4 stars; one submission).

Conditions:
Koolen-de Vries syndrome (KDVS). Identifiers: Orphanet 96169, MedGen C1864871, MONDO:0012496, OMIM 610443.

Submission:

Labcorp Genetics (formerly Invitae), Labcorp
Classification: Uncertain significance for Koolen-de Vries syndrome. Last evaluated: 2024-06-28. Review status: criteria provided, single submitter. Criteria: Invitae Variant Classification Sherloc (09022015). Collection method: clinical testing. Allele origin: germline.
Comment: This sequence change results in a frameshift in the KANSL1 gene (p.His1104Glnfs*14). While this is not anticipated to result in nonsense mediated decay, it is expected to disrupt the last 2 amino acid(s) of the KANSL1 protein and extend the protein by 11 additional amino acid residues. This variant is not present in population databases (gnomAD no frequency). This variant has not been reported in the literature in individuals affected with KANSL1-related conditions. Experimental studies and prediction algorithms are not available or were not evaluated, and the functional significance of this variant is currently unknown. In summary, the available evidence is currently insufficient to determine the role of this variant in disease. Therefore, it has been classified as a Variant of Uncertain Significance.

NM_015443.4(KANSL1):c.3311dup (p.His1104fs)

Gene: KANSL1 (KAT8 regulatory NSL complex subunit 1). Cytogenetic location: 17q21.31.
Variant type: Duplication.
Coding change: c.3311dup on transcript NM_015443.4 (MANE Select); coding-DNA position 3311, one base duplicated.
Protein change: p.His1104fs; shifts the reading frame from histidine 1104.
Molecular consequence: frameshift variant.
Genome position: GRCh38 VCF-style: chr17-46031482-G-GT. GRCh37 (hg19) VCF-style: chr17-44108848-G-GT.
Other names: c.2042dup, p.His681fs (NM_001405883.1); c.1856dup, p.His619fs (NM_001405884.1); c.1853dup, p.His618fs (NM_001405885.1); c.3179dup, p.His1060fs (NM_001405873.1, NM_001405874.1, NM_001405872.1); c.3122dup, p.His1041fs (NM_001405875.1, NM_001405876.1, NM_001405877.1 and 1 more transcripts); c.3119dup, p.His1040fs (NM_001405879.1, NM_001405880.1); c.3074dup, p.His1025fs (NM_001405881.1); c.2045dup, p.His682fs (NM_001405882.1); and 4 more; short protein forms H1069fs, H1104fs, H681fs, H1041fs, H1070fs, H1025fs, H1040fs, H1060fs.
Identifiers: ClinVar variation 3693616 (VCV003693616.2).